The following is an entry in ClinVar:

ClinVar aggregate classification (germline): Uncertain significance (1 of 4 stars; one submission).

Submission:

CeGaT Center for Human Genetics Tuebingen
Classification: Uncertain significance. Last evaluated: 2025-11-01. Review status: criteria provided, single submitter. Criteria: CeGaT Center For Human Genetics Tuebingen Variant Classification Criteria Version 2. Collection method: clinical testing. Allele origin: germline. Affected: yes. Observed: 1 variant allele.
Comment: MRPS9: PM2; MRPS9-AS1: PM2

NM_182640.3(MRPS9):c.784T>C (p.Tyr262His)

Gene: MRPS9 (mitochondrial ribosomal protein S9; plus strand). Cytogenetic location: 2q12.1.
Variant type: single nucleotide variant.
Coding change: c.784T>C on transcript NM_182640.3 (MANE Select); coding-DNA position 784, T replaced by C.
Protein change: p.Tyr262His; replaces tyrosine 262 with histidine.
Molecular consequence: missense variant.
Genome position (GRCh38, 1-based): chr2:105,092,533, T>C. VCF-style: chr2-105092533-T-C. GRCh37 (hg19) VCF-style: chr2-105708991-T-C.
Other names: short protein forms Y262H.
Identifiers: ClinVar variation 4535222 (VCV004535222.6).